The following is an entry in ClinVar:

NM_020745.4(AARS2):c.1084A>T (p.Met362Leu)

Gene: AARS2 (alanyl-tRNA synthetase 2, mitochondrial; minus strand). Cytogenetic location: 6p21.1.
Variant type: single nucleotide variant.
Coding change: c.1084A>T on transcript NM_020745.4 (MANE Select); coding-DNA position 1084, A replaced by T.
Protein change: p.Met362Leu; replaces methionine 362 with leucine.
Molecular consequence: missense variant.
Genome position (GRCh38, 1-based): chr6:44,306,988, T>A on the plus strand (A>T on the coding strand, the complement: AARS2 is on the minus strand). VCF-style: chr6-44306988-T-A. GRCh37 (hg19) VCF-style: chr6-44274725-T-A.
Other names: short protein forms M362L.
Identifiers: ClinVar variation 357073 (VCV000357073.17), dbSNP rs147091256, ClinGen allele CA3834446.

ClinVar aggregate classification (germline): Likely benign. Review status: criteria provided, multiple submitters, no conflicts (2 of 4 stars). 5 submissions from 5 submitters: Likely benign (4). 1 of the submissions does not count toward it. Last evaluated 2025-10-01.

Conditions:
Combined oxidative phosphorylation defect type 8. Also called: CARDIOMYOPATHY, HYPERTROPHIC MITOCHONDRIAL, FATAL INFANTILE. Identifiers: Orphanet 319504, MedGen C4518839, MONDO:0013570, OMIM 614096.

Allele frequency attached by ClinVar (database versions not stated): gnomAD exomes 0.00051; ExAC 0.00061; 1000 Genomes Project 30x 0.00172; gnomAD 0.00177 and 0.00185; 1000 Genomes Project 0.00180; TOPMed 0.00191; ESP Exome Variant Server 0.00292.
gnomAD v4.1: 553 of 1,613,898 alleles (0.034%); highest among the groups gnomAD compares: African/African-American, 0.61%; 2 homozygotes.

Submissions (5):

Labcorp Genetics (formerly Invitae), Labcorp
Classification: Likely benign. Last evaluated: 2025-10-01. Review status: criteria provided, single submitter. Criteria: Invitae Variant Classification Sherloc (09022015). Collection method: clinical testing. Allele origin: germline.

Molecular Diagnostic Laboratory for Inherited Cardiovascular Disease, Montreal Heart Institute
Classification: Likely benign. Last evaluated: 2025-07-24. Review status: criteria provided, single submitter. Criteria: ACMG Guidelines, 2015. Collection method: clinical testing. Allele origin: germline. Affected: no.
Comment: BS1, PP4

GeneDx
Classification: Likely benign. Last evaluated: 2021-03-24. Review status: criteria provided, single submitter. Criteria: GeneDx Variant Classification Process June 2021. Collection method: clinical testing. Allele origin: germline. Affected: yes.

Illumina Laboratory Services, Illumina
Classification: Likely benign for Combined oxidative phosphorylation defect type 8. Last evaluated: 2018-01-12. Review status: criteria provided, single submitter. Criteria: ICSL Variant Classification Criteria 13 December 2019. Collection method: clinical testing. Allele origin: germline.
Comment: This variant was observed in the ICSL laboratory as part of a predisposition screen in an ostensibly healthy population. It had not been previously curated by ICSL or reported in the Human Gene Mutation Database (HGMD: prior to June 1st, 2018), and was therefore a candidate for classification through an automated scoring system. Utilizing variant allele frequency, disease prevalence and penetrance estimates, and inheritance mode, an automated score was calculated to assess if this variant is too frequent to cause the disease. Based on the score and internal cut-off values, a variant classified as likely benign is not then subjected to further curation. The score for this variant resulted in a classification of likely benign for this disease.

Department of Pathology and Laboratory Medicine, Sinai Health System
Classification: Uncertain significance. Review status: no assertion criteria provided. Collection method: clinical testing. Allele origin: unknown. Affected: yes. Study: The Canadian Open Genetics Repository (COGR). Not counted in ClinVar's aggregate classification.
Comment: The AARS2 p.Met362Leu variant was not identified in the literature nor was it identified in Cosmic or LOVD 3.0. The variant was identified in dbSNP (ID: rs147091256), ClinVar (classified as a VUS by Illumina Clinical Services Laboratory and GeneDx; associated condition is Combined oxidative phosphorylation deficiency). The variant was identified in control databases in 191 of 282776 chromosomes at a frequency of 0.000675 increasing the likelihood this could be a low frequency benign variant (Genome Aggregation Database Feb 27, 2017) and was observed in the following populations: African in 170 of 24940 chromosomes (freq: 0.006816), Latino in 13 of 35434 chromosomes (freq: 0.000367), Other in 2 of 7228 chromosomes (freq: 0.000277) and European (non-Finnish) in 6 of 129130 chromosomes (freq: 0.000046), while the variant was not observed in the Ashkenazi Jewish, East Asian, European (Finnish) and South Asian populations. The variant occurs outside of the splicing consensus sequence and three of four in silico or computational prediction software programs (SpliceSiteFinder, NNSPLICE, GeneSplicer) do not predict a difference in splicing. The p.Met362 residue is not conserved in mammals and computational analyses (PolyPhen-2, SIFT, AlignGVGD, BLOSUM, MutationTaster) do not suggest a high likelihood of impact to the protein; however, this information is not predictive enough to rule out pathogenicity. In summary, based on the above information the clinical significance of this variant cannot be determined with certainty at this time. This variant is classified as a variant of uncertain significance.